The following is an entry in ClinVar:

ClinVar aggregate classification (germline): Uncertain significance. Review status: criteria provided, multiple submitters, no conflicts (2 of 4 stars). 3 submissions from 3 submitters: Uncertain significance (3). Last evaluated 2026-07-06.

Conditions:
Hereditary cancer-predisposing syndrome. Also called: Tumor predisposition; Hereditary Cancer Syndrome; Hereditary neoplastic syndrome; Neoplastic Syndromes, Hereditary. Identifiers: Orphanet 140162, MedGen C0027672, MeSH D009386, MONDO:0015356.
Familial cancer of breast. Also called: Hereditary breast cancer; BREAST CANCER, FAMILIAL; hereditary breast carcinoma. Identifiers: Orphanet 227535, MedGen C0346153, MONDO:0016419, OMIM 114480. Disease mechanism: loss of function.

Submissions (3):

Ambry Genetics
Classification: Uncertain significance for Hereditary cancer-predisposing syndrome. Last evaluated: 2026-07-06. Review status: criteria provided, single submitter. Criteria: Ambry Variant Classification Scheme 2023. Collection method: clinical testing. Allele origin: germline.
Comment: The p.L960P variant (also known as c.2879T>C), located in coding exon 9 of the PALB2 gene, results from a T to C substitution at nucleotide position 2879. The leucine at codon 960 is replaced by proline, an amino acid with similar properties. This amino acid position is conserved. In addition, this alteration is predicted to be tolerated by in silico analysis. Based on the available evidence, the clinical significance of this variant remains unclear.

Labcorp Genetics (formerly Invitae), Labcorp
Classification: Uncertain significance for Familial cancer of breast. Last evaluated: 2023-09-12. Review status: criteria provided, single submitter. Criteria: Invitae Variant Classification Sherloc (09022015). Collection method: clinical testing. Allele origin: germline.
Comment: This variant is not present in population databases (gnomAD no frequency). This sequence change replaces leucine, which is neutral and non-polar, with proline, which is neutral and non-polar, at codon 960 of the PALB2 protein (p.Leu960Pro). In summary, the available evidence is currently insufficient to determine the role of this variant in disease. Therefore, it has been classified as a Variant of Uncertain Significance. Advanced modeling of protein sequence and biophysical properties (such as structural, functional, and spatial information, amino acid conservation, physicochemical variation, residue mobility, and thermodynamic stability) performed at Invitae indicates that this missense variant is expected to disrupt PALB2 protein function. ClinVar contains an entry for this variant (Variation ID: 2163813). This variant has not been reported in the literature in individuals affected with PALB2-related conditions.

Color Diagnostics, LLC DBA Color Health
Classification: Uncertain significance for Hereditary cancer-predisposing syndrome. Last evaluated: 2023-06-20. Review status: criteria provided, single submitter. Criteria: ACMG Guidelines, 2015. Collection method: clinical testing. Allele origin: germline.
Comment: This missense variant replaces leucine with proline at codon 960 of the PALB2 protein. Computational prediction suggests that this variant may not impact protein structure and function (internally defined REVEL score threshold <= 0.5, PMID: 27666373). To our knowledge, functional studies have not been reported for this variant. This variant has not been reported in individuals affected with PALB2-related disorders in the literature. This variant has not been identified in the general population by the Genome Aggregation Database (gnomAD). The available evidence is insufficient to determine the role of this variant in disease conclusively. Therefore, this variant is classified as a Variant of Uncertain Significance.

NM_024675.4(PALB2):c.2879T>C (p.Leu960Pro)

Gene: PALB2 (partner and localizer of BRCA2; minus strand). Cytogenetic location: 16p12.2.
Variant type: single nucleotide variant.
Coding change: c.2879T>C on transcript NM_024675.4 (MANE Select); coding-DNA position 2879, T replaced by C.
Protein change: p.Leu960Pro; replaces leucine 960 with proline.
Molecular consequence: missense variant.
Genome position (GRCh38, 1-based): chr16:23,623,086, A>G on the plus strand (T>C on the coding strand, the complement: PALB2 is on the minus strand). VCF-style: chr16-23623086-A-G. GRCh37 (hg19) VCF-style: chr16-23634407-A-G.
Other names: c.2819T>C, p.Leu940Pro (NM_001407296.1); c.2807T>C, p.Leu936Pro (NM_001407297.1); c.2717T>C, p.Leu906Pro (NM_001407298.1, NM_001407302.1); c.2879T>C, p.Leu960Pro (NM_001407299.1, NM_001407301.1); c.1994T>C, p.Leu665Pro (NM_001407304.1, NM_001407305.1, NM_001407306.1 and 4 more transcripts); c.1832T>C, p.Leu611Pro (NM_001407307.1); c.1091T>C, p.Leu364Pro (NM_001407312.1, NM_001407313.1); c.413T>C, p.Leu138Pro (NM_001407314.1); short protein forms L364P, L138P, L611P, L936P, L940P, L960P, L665P, L906P.
Identifiers: ClinVar variation 2163813 (VCV002163813.8), dbSNP rs1966803595, ClinGen allele CA395144355.
Genomic context (GRCh38, chr16:23,623,086, plus strand): 5'-CTACTAACTAGCCTCCTCTTTGTCAGGCCAAGCACAGCTTTTATATTTCCAGACTTCAGT[A>G]GTACTTGCTTTTCACTTTCATCATCAGAGGAACAAAACAATGCCCTAAGCCAAATATAAG-3'
Protein context (NP_078951.2, residues 950-970): SSDDESEKQV[Leu960Pro]LKSGNIKAVL